The following is an entry in ClinVar:

ClinVar aggregate classification (germline): Uncertain significance (1 of 4 stars; one submission).

Conditions:
Alstrom syndrome (ALMS). Identifiers: Orphanet 64, MedGen C0268425, MONDO:0008763, OMIM 203800.

Allele frequency attached by ClinVar (database versions not stated): gnomAD exomes below 0.00001; gnomAD 0.00001.
gnomAD v4.1: 2 of 1,613,936 alleles (0.00012%); highest among the groups gnomAD compares: South Asian, 0.0011%; no homozygotes.

Submission:

Labcorp Genetics (formerly Invitae), Labcorp
Classification: Uncertain significance for Alstrom syndrome. Last evaluated: 2022-04-22. Review status: criteria provided, single submitter. Criteria: Invitae Variant Classification Sherloc (09022015). Collection method: clinical testing. Allele origin: germline.
Comment: This sequence change replaces tyrosine, which is neutral and polar, with cysteine, which is neutral and slightly polar, at codon 1108 of the ALMS1 protein (p.Tyr1108Cys). This variant is not present in population databases (gnomAD no frequency). This variant has not been reported in the literature in individuals affected with ALMS1-related conditions. Experimental studies and prediction algorithms are not available or were not evaluated, and the functional significance of this variant is currently unknown. In summary, the available evidence is currently insufficient to determine the role of this variant in disease. Therefore, it has been classified as a Variant of Uncertain Significance.

NM_001378454.1(ALMS1):c.3320A>G (p.Tyr1107Cys)

Gene: ALMS1 (ALMS1 centrosome and basal body associated protein; plus strand). Cytogenetic location: 2p13.1.
Variant type: single nucleotide variant.
Coding change: c.3320A>G on transcript NM_001378454.1 (MANE Select); coding-DNA position 3320, A replaced by G.
Protein change: p.Tyr1107Cys; replaces tyrosine 1107 with cysteine.
Molecular consequence: missense variant.
Genome position (GRCh38, 1-based): chr2:73,449,847, A>G. VCF-style: chr2-73449847-A-G. GRCh37 (hg19) VCF-style: chr2-73676974-A-G.
Other names: c.3323A>G, p.Tyr1108Cys (NM_015120.4); short protein forms Y1107C, Y1108C.
Identifiers: ClinVar variation 2198360 (VCV002198360.2), dbSNP rs2466097758, ClinGen allele CA347275040.